The following is an entry in ClinVar:

ClinVar aggregate classification (germline): Uncertain significance (1 of 4 stars; one submission).

Submission:

Labcorp Genetics (formerly Invitae), Labcorp
Classification: Uncertain significance. Last evaluated: 2022-10-28. Review status: criteria provided, single submitter. Criteria: Invitae Variant Classification Sherloc (09022015). Collection method: clinical testing. Allele origin: germline.
Comment: This sequence change replaces alanine, which is neutral and non-polar, with serine, which is neutral and polar, at codon 111 of the SLC10A2 protein (p.Ala111Ser). This variant is not present in population databases (gnomAD no frequency). In summary, the available evidence is currently insufficient to determine the role of this variant in disease. Therefore, it has been classified as a Variant of Uncertain Significance. Advanced modeling of protein sequence and biophysical properties (such as structural, functional, and spatial information, amino acid conservation, physicochemical variation, residue mobility, and thermodynamic stability) performed at Invitae indicates that this missense variant is not expected to disrupt SLC10A2 protein function. This variant has not been reported in the literature in individuals affected with SLC10A2-related conditions.

NM_000452.3(SLC10A2):c.331G>T (p.Ala111Ser)

Gene: SLC10A2 (solute carrier family 10 member 2; minus strand). Cytogenetic location: 13q33.1.
Variant type: single nucleotide variant.
Coding change: c.331G>T on transcript NM_000452.3 (MANE Select); coding-DNA position 331, G replaced by T.
Protein change: p.Ala111Ser; replaces alanine 111 with serine.
Molecular consequence: missense variant.
Genome position (GRCh38, 1-based): chr13:103,065,919, C>A on the plus strand (G>T on the coding strand, the complement: SLC10A2 is on the minus strand). VCF-style: chr13-103065919-C-A. GRCh37 (hg19) VCF-style: chr13-103718269-C-A.
Other names: short protein forms A111S.
Identifiers: ClinVar variation 2810355 (VCV002810355.3), dbSNP rs2501426720, ClinGen allele CA388609030.